The following is an entry in ClinVar:

NM_031433.4(MFRP):c.143C>T (p.Pro48Leu)

Genes: C1QTNF5 (C1q and TNF related 5; minus strand), MFRP (membrane frizzled-related protein; minus strand). Cytogenetic location: 11q23.3.
Variant type: single nucleotide variant.
Coding change: c.143C>T on transcript NM_031433.4 (MANE Select); coding-DNA position 143, C replaced by T.
Protein change: p.Pro48Leu; replaces proline 48 with leucine.
Molecular consequence: missense variant. On other transcripts: 5 prime UTR variant (1).
Genome position (GRCh38, 1-based): chr11:119,346,286, G>A on the plus strand (C>T on the coding strand, the complement: MFRP is on the minus strand). VCF-style: chr11-119346286-G-A. GRCh37 (hg19) VCF-style: chr11-119216996-G-A.
Other names: c.-2494C>T (NM_015645.5); short protein forms P48L.
Identifiers: ClinVar variation 1418238 (VCV001418238.8), dbSNP rs377690518, ClinGen allele CA6320697.
Genomic context (GRCh38, chr11:119,346,286, plus strand): 5'-CCTGGGCCTCTCTGTCCTCCCCCAGGTCACCCCCTGGGATGGTTACCATGCCAGGGAGCT[G>A]GGACGCTGTAGCTGGCATCCTCTGGGAAAACTGGGGGAGGGCAGGGTGGCCCAGACTCAG-3'
Protein context (NP_113621.1, residues 38-58): VFPEDASYSV[Pro48Leu]APWHGRRPRG

ClinVar aggregate classification (germline): Uncertain significance. Review status: criteria provided, multiple submitters, no conflicts (2 of 4 stars). 2 submissions from 2 submitters: Uncertain significance (2). Last evaluated 2024-03-15.

Conditions:
Isolated microphthalmia 5. Also called: Posterior Microphthalmia with Retinitis Pigmentosa, Foveoschisis, and Optic Disc Drusen. Identifiers: Orphanet 251279, MedGen C1970236, MONDO:0012605, OMIM 611040.
Inborn genetic diseases. Identifiers: MedGen C0950123, MeSH D030342.

Allele frequency attached by ClinVar (database versions not stated): gnomAD exomes below 0.00001; ESP Exome Variant Server 0.00008; ExAC 0.00001; gnomAD 0.00001; TOPMed 0.00003.
gnomAD v4.1: 2 of 1,613,246 alleles (0.00012%); highest among the groups gnomAD compares: African/African-American, 0.0027%; no homozygotes.

Submissions (2):

Ambry Genetics
Classification: Uncertain significance for Inborn genetic diseases. Last evaluated: 2024-03-15. Review status: criteria provided, single submitter. Criteria: Ambry Variant Classification Scheme 2023. Collection method: clinical testing. Allele origin: germline.

Labcorp Genetics (formerly Invitae), Labcorp
Classification: Uncertain significance for Isolated microphthalmia 5. Last evaluated: 2023-10-03. Review status: criteria provided, single submitter. Criteria: Invitae Variant Classification Sherloc (09022015). Collection method: clinical testing. Allele origin: germline.
Comment: This sequence change replaces proline, which is neutral and non-polar, with leucine, which is neutral and non-polar, at codon 48 of the MFRP protein (p.Pro48Leu). This variant is present in population databases (rs377690518, gnomAD 0.007%). This variant has not been reported in the literature in individuals affected with MFRP-related conditions. ClinVar contains an entry for this variant (Variation ID: 1418238). Advanced modeling of protein sequence and biophysical properties (such as structural, functional, and spatial information, amino acid conservation, physicochemical variation, residue mobility, and thermodynamic stability) performed at Invitae indicates that this missense variant is not expected to disrupt MFRP protein function. In summary, the available evidence is currently insufficient to determine the role of this variant in disease. Therefore, it has been classified as a Variant of Uncertain Significance.